The following is an entry in ClinVar:

ClinVar aggregate classification (germline): Uncertain significance (1 of 4 stars; one submission).

Conditions:
Wilms tumor 1 (WT1). Also called: Wilms tumor, somatic. Identifiers: Orphanet 654, MedGen CN033288, MONDO:0008679, OMIM 194070.

Allele frequency attached by ClinVar (database versions not stated): gnomAD exomes below 0.00001.
gnomAD v4.1: 1 of 1,206,227 alleles (0.000083%); highest among the groups gnomAD compares: Admixed American, 0.0022%; no homozygotes.

Submission:

Labcorp Genetics (formerly Invitae), Labcorp
Classification: Uncertain significance for Wilms tumor 1. Last evaluated: 2023-04-03. Review status: criteria provided, single submitter. Criteria: Invitae Variant Classification Sherloc (09022015). Collection method: clinical testing. Allele origin: germline.
Comment: An algorithm developed to predict the effect of missense changes on protein structure and function (PolyPhen-2) suggests that this variant is likely to be tolerated. ClinVar contains an entry for this variant (Variation ID: 2193413). This variant has not been reported in the literature in individuals affected with GPC3-related conditions. In summary, the available evidence is currently insufficient to determine the role of this variant in disease. Therefore, it has been classified as a Variant of Uncertain Significance. This sequence change replaces serine, which is neutral and polar, with arginine, which is basic and polar, at codon 539 of the GPC3 protein (p.Ser539Arg). This variant is not present in population databases (gnomAD no frequency).

NM_004484.4(GPC3):c.1617T>A (p.Ser539Arg)

Gene: GPC3 (glypican 3; minus strand). Cytogenetic location: Xq26.2.
Variant type: single nucleotide variant.
Coding change: c.1617T>A on transcript NM_004484.4 (MANE Select); coding-DNA position 1617, T replaced by A.
Protein change: p.Ser539Arg; replaces serine 539 with arginine.
Molecular consequence: missense variant.
Genome position (GRCh38, 1-based): chrX:133,536,250, A>T on the plus strand (T>A on the coding strand, the complement: GPC3 is on the minus strand). VCF-style: chrX-133536250-A-T. GRCh37 (hg19) VCF-style: chrX-132670278-A-T.
Other names: c.1686T>A, p.Ser562Arg (NM_001164617.2); c.1569T>A, p.Ser523Arg (NM_001164618.2); c.1455T>A, p.Ser485Arg (NM_001164619.2); short protein forms S562R, S523R, S539R, S485R.
Identifiers: ClinVar variation 2193413 (VCV002193413.4), dbSNP rs2520463719, ClinGen allele CA414703104.